The following is an entry in ClinVar:

NM_001211.6(BUB1B):c.1670C>T (p.Pro557Leu)

Gene: BUB1B (BUB1 mitotic checkpoint serine/threonine kinase B; plus strand). Cytogenetic location: 15q15.1.
Variant type: single nucleotide variant.
Coding change: c.1670C>T on transcript NM_001211.6 (MANE Select); coding-DNA position 1670, C replaced by T.
Protein change: p.Pro557Leu; replaces proline 557 with leucine.
Molecular consequence: missense variant.
Genome position (GRCh38, 1-based): chr15:40,202,630, C>T. VCF-style: chr15-40202630-C-T. GRCh37 (hg19) VCF-style: chr15-40494831-C-T.
Other names: short protein forms P557L.
Identifiers: ClinVar variation 3221356 (VCV003221356.1), dbSNP rs943659464, ClinGen allele CA391691615.
Genomic context (GRCh38, chr15:40,202,630, plus strand): 5'-GAGGTATGTCTTTTTCCAGTCCTCCTGCAGATCCCCCACGAGTTTTAGCTCAACGAAGAC[C>T]CCTTGCAGTTCTCAAAACCTCAGAAAGCATCACCTCAAATGAAGATGTGTCTCCAGATGT-3'
Protein context (NP_001202.5, residues 547-567): DPPRVLAQRR[Pro557Leu]LAVLKTSESI

ClinVar aggregate classification (germline): Uncertain significance (1 of 4 stars; one submission).

Conditions:
Inborn genetic diseases. Identifiers: MedGen C0950123, MeSH D030342.

Allele frequency attached by ClinVar (database versions not stated): gnomAD exomes below 0.00001.
gnomAD v4.1: 1 of 1,614,042 alleles (0.000062%); highest among the groups gnomAD compares: Non-Finnish European, 0.000085%; no homozygotes.

Submission:

Ambry Genetics
Classification: Uncertain significance for Inborn genetic diseases. Last evaluated: 2024-02-10. Review status: criteria provided, single submitter. Criteria: Ambry Variant Classification Scheme 2023. Collection method: clinical testing. Allele origin: germline.
Comment: The p.P557L variant (also known as c.1670C>T), located in coding exon 14 of the BUB1B gene, results from a C to T substitution at nucleotide position 1670. The proline at codon 557 is replaced by leucine, an amino acid with similar properties. This amino acid position is conserved. In addition, this alteration is predicted to be tolerated by in silico analysis. Based on the available evidence, the clinical significance of this alteration remains unclear.